The following is an entry in ClinVar:

ClinVar aggregate classification (germline): Uncertain significance. Review status: criteria provided, multiple submitters, no conflicts (2 of 4 stars). 2 submissions from 2 submitters: Uncertain significance (2). Last evaluated 2025-01-07.

Conditions:
Renal hypomagnesemia 4. Also called: HYPOMAGNESEMIA, RENAL, NORMOCALCIURIC. Identifiers: Orphanet 34527, MedGen C2673648, MONDO:0012717, OMIM 611718.

Allele frequency attached by ClinVar (database versions not stated): TOPMed 0.00001; gnomAD 0.00002.
gnomAD v4.1: 67 of 1,613,794 alleles (0.0042%); highest among the groups gnomAD compares: Non-Finnish European, 0.0051%; no homozygotes.

Submissions (2):

Labcorp Genetics (formerly Invitae), Labcorp
Classification: Uncertain significance. Last evaluated: 2025-01-07. Review status: criteria provided, single submitter. Criteria: Invitae Variant Classification Sherloc (09022015). Collection method: clinical testing. Allele origin: germline.
Comment: This sequence change creates a premature translational stop signal (p.Arg494*) in the EGF gene. It is expected to result in an absent or disrupted protein product. However, the current clinical and genetic evidence is not sufficient to establish whether loss-of-function variants in EGF cause disease. This variant is present in population databases (rs753726274, gnomAD 0.007%). This variant has not been reported in the literature in individuals affected with EGF-related conditions. ClinVar contains an entry for this variant (Variation ID: 1426041). Algorithms developed to predict the effect of sequence changes on RNA splicing suggest that this variant may disrupt the consensus splice site. In summary, the available evidence is currently insufficient to determine the role of this variant in disease. Therefore, it has been classified as a Variant of Uncertain Significance.

Fulgent Genetics
Classification: Uncertain significance for Renal hypomagnesemia 4. Last evaluated: 2021-10-19. Review status: criteria provided, single submitter. Criteria: ACMG Guidelines, 2015. Collection method: clinical testing. Allele origin: unknown.

NM_001963.6(EGF):c.1480C>T (p.Arg494Ter)

Gene: EGF (epidermal growth factor; plus strand). Cytogenetic location: 4q25.
Variant type: single nucleotide variant.
Coding change: c.1480C>T on transcript NM_001963.6 (MANE Select); coding-DNA position 1480, C replaced by T.
Protein change: p.Arg494Ter; replaces arginine 494 with a stop codon.
Molecular consequence: nonsense.
Genome position (GRCh38, 1-based): chr4:109,964,442, C>T. VCF-style: chr4-109964442-C-T. GRCh37 (hg19) VCF-style: chr4-110885598-C-T.
Other names: c.1480C>T, p.Arg494Ter (NM_001178130.3); c.1354C>T, p.Arg452Ter (NM_001178131.3, NM_001357021.2); short protein forms R494*, R452*.
Identifiers: ClinVar variation 1426041 (VCV001426041.7), dbSNP rs753726274, ClinGen allele CA3043696.
Genomic context (GRCh38, chr4:109,964,442, plus strand): 5'-TTTGAAATTTGGTTAACAGGACCACAACCATTTTTGCTGTTTGCCAATTCTCAAGATATT[C>T]GACACATGCATTTTGATGGAACAGACTATGGAACTCTGCTCAGCCAGCAGATGGGAATGG-3'